The following is an entry in ClinVar:

NM_001145715.3(KPNA7):c.1135-6C>T

Gene: KPNA7 (karyopherin subunit alpha 7; minus strand). Cytogenetic location: 7q22.1.
Variant type: single nucleotide variant.
Coding change: c.1135-6C>T on transcript NM_001145715.3 (MANE Select); 6 bases into the intron before coding-DNA position 1135, C replaced by T.
Molecular consequence: intron variant.
Genome position (GRCh38, 1-based): chr7:99,182,071, G>A on the plus strand (C>T on the coding strand, the complement: KPNA7 is on the minus strand). VCF-style: chr7-99182071-G-A. GRCh37 (hg19) VCF-style: chr7-98779694-G-A.
Other names: c.1135-6C>T (NM_001145715.2).
Identifiers: ClinVar variation 695804 (VCV000695804.13), dbSNP rs201383698, ClinGen allele CA4363135.

ClinVar aggregate classification (germline): Benign. Review status: criteria provided, single submitter (1 of 4 stars). 2 submissions from 2 submitters: Benign (1). 1 of the submissions does not count toward it. Last evaluated 2025-11-24.

Conditions:
KPNA7-related disorder. Also called: KPNA7-related condition.

Allele frequency attached by ClinVar (database versions not stated): TOPMed 0.00045; gnomAD exomes 0.00075; ExAC 0.00147.
gnomAD v4.1: 675 of 1,522,756 alleles (0.044%); highest among the groups gnomAD compares: Admixed American, 0.037%; 1 homozygote.

Submissions (2):

Labcorp Genetics (formerly Invitae), Labcorp
Classification: Benign. Last evaluated: 2025-11-24. Review status: criteria provided, single submitter. Criteria: Invitae Variant Classification Sherloc (09022015). Collection method: clinical testing. Allele origin: germline.

PreventionGenetics, part of Exact Sciences
Classification: Benign for KPNA7-related condition. Last evaluated: 2019-08-21. Review status: no assertion criteria provided. Collection method: clinical testing. Allele origin: germline. Not counted in ClinVar's aggregate classification.
Comment: This variant is classified as benign based on ACMG/AMP sequence variant interpretation guidelines (Richards et al. 2015 PMID: 25741868, with internal and published modifications).